The following is an entry in ClinVar:

ClinVar aggregate classification (germline): Uncertain significance (1 of 4 stars; one submission).

Conditions:
Ullrich congenital muscular dystrophy 2 (UCMD2). Identifiers: Orphanet 75840, MedGen C4225314, MONDO:0014654, OMIM 616470.
Bethlem myopathy 2 (BTHLM2). Identifiers: Orphanet 536516, Orphanet 610, MedGen C4225313, MONDO:0034022, OMIM 616471.

Allele frequency attached by ClinVar (database versions not stated): gnomAD exomes below 0.00001; TOPMed below 0.00001.
gnomAD v4.1: 1 of 1,612,880 alleles (0.000062%); highest among the groups gnomAD compares: Non-Finnish European, 0.000085%; no homozygotes.

Submission:

Labcorp Genetics (formerly Invitae), Labcorp
Classification: Uncertain significance for Bethlem myopathy 2; Ullrich congenital muscular dystrophy 2. Last evaluated: 2023-10-20. Review status: criteria provided, single submitter. Criteria: Invitae Variant Classification Sherloc (09022015). Collection method: clinical testing. Allele origin: germline.
Comment: This sequence change falls in intron 61 of the COL12A1 gene. It does not directly change the encoded amino acid sequence of the COL12A1 protein. It affects a nucleotide within the consensus splice site. This variant is not present in population databases (gnomAD no frequency). This variant has not been reported in the literature in individuals affected with COL12A1-related conditions. Variants that disrupt the consensus splice site are a relatively common cause of aberrant splicing (PMID: 17576681, 9536098). Algorithms developed to predict the effect of sequence changes on RNA splicing suggest that this variant may disrupt the consensus splice site. In summary, the available evidence is currently insufficient to determine the role of this variant in disease. Therefore, it has been classified as a Variant of Uncertain Significance.

Literature cited by the submitters: PubMed 17576681; PubMed 9536098.

NM_004370.6(COL12A1):c.8685+3A>G

Gene: COL12A1 (collagen type XII alpha 1 chain; minus strand). Cytogenetic location: 6q13.
Variant type: single nucleotide variant.
Coding change: c.8685+3A>G on transcript NM_004370.6 (MANE Select); 3 bases into the intron after coding-DNA position 8685, A replaced by G.
Molecular consequence: intron variant.
Genome position (GRCh38, 1-based): chr6:75,091,487, T>C on the plus strand (A>G on the coding strand, the complement: COL12A1 is on the minus strand). VCF-style: chr6-75091487-T-C. GRCh37 (hg19) VCF-style: chr6-75801203-T-C.
Other names: c.5193+3A>G (NM_001424116.1, NM_080645.3); c.8412+3A>G (NM_001424115.1); c.8664+3A>G (NM_001424114.1); c.8685+3A>G (NM_001424113.1).
Identifiers: ClinVar variation 2952058 (VCV002952058.3), dbSNP rs1767765356, ClinGen allele CA1638954527.
Genomic context (GRCh38, chr6:75,091,487, plus strand): 5'-TATAGTTTTAGGCTTCAATGTTTAACACACAAAATAAACGTAAGATTTTTTAAAAATACA[T>C]ACCCTATCACCTTTTTCTCCTTTCAACCCAGATGGACCCTGAAAAATATGAATTACATAC-3'